The following is an entry in ClinVar:

ClinVar aggregate classification (germline): Benign. Review status: criteria provided, multiple submitters, no conflicts (2 of 4 stars). 2 submissions from 2 submitters: Benign (2). Last evaluated 2018-01-13.

Conditions:
Congenital fibrosis of extraocular muscles type 1. Also called: CFEOM3B; BLEPHAROPTOSIS WITH ABSENT EYE MOVEMENTS; OPHTHALMOPLEGIA, CONGENITAL; FEOM1 LOCUS. Identifiers: MedGen C1851102, MONDO:0021083, OMIM 135700.

Allele frequency attached by ClinVar (database versions not stated): gnomAD 0.29577 and 0.29721; TOPMed 0.30823; 1000 Genomes Project 30x 0.37976; gnomAD exomes 0.17493; 1000 Genomes Project 0.38199.
gnomAD v4.1: 45,810 of 156,030 alleles (29%); highest among the groups gnomAD compares: African/African-American, 53%; 8,534 homozygotes.

Submissions (2):

Illumina Laboratory Services, Illumina
Classification: Benign for Congenital fibrosis of extraocular muscles type 1. Last evaluated: 2018-01-13. Review status: criteria provided, single submitter. Criteria: ICSL Variant Classification Criteria 13 December 2019. Collection method: clinical testing. Allele origin: germline.
Comment: This variant was observed in the ICSL laboratory as part of a predisposition screen in an ostensibly healthy population. It had not been previously curated by ICSL or reported in the Human Gene Mutation Database (HGMD: prior to June 1st, 2018), and was therefore a candidate for classification through an automated scoring system. Utilizing variant allele frequency, disease prevalence and penetrance estimates, and inheritance mode, an automated score was calculated to assess if this variant is too frequent to cause the disease. Based on the score and internal cut-off values, a variant classified as benign is not then subjected to further curation. The score for this variant resulted in a classification of benign for this disease.

Breakthrough Genomics
Classification: Benign. Review status: criteria provided, single submitter. Criteria: ACMG Guidelines, 2015. Collection method: not provided. Allele origin: germline. Inheritance: Autosomal dominant inheritance. Affected: yes.

NM_001173464.2(KIF21A):c.*472A>G

Gene: KIF21A (kinesin family member 21A; minus strand). Cytogenetic location: 12q12.
Variant type: single nucleotide variant.
Coding change: c.*472A>G on transcript NM_001173464.2 (MANE Select); 472 bases downstream of the stop codon, A replaced by G.
Molecular consequence: 3 prime UTR variant.
Genome position (GRCh38, 1-based): chr12:39,293,952, T>C on the plus strand (A>G on the coding strand, the complement: KIF21A is on the minus strand). VCF-style: chr12-39293952-T-C. GRCh37 (hg19) VCF-style: chr12-39687754-T-C.
Other names: c.*472A>G (NM_001173463.2, NM_001173465.2, NM_017641.4).
Identifiers: ClinVar variation 308537 (VCV000308537.6), dbSNP rs11171674, ClinGen allele CA10637309.